The following is an entry in ClinVar:

NM_002242.4(KCNJ13):c.*135A>G

Genes: KCNJ13 (potassium inwardly rectifying channel subfamily J member 13; minus strand), GIGYF2 (GRB10 interacting GYF protein 2; plus strand). Cytogenetic location: 2q37.1.
Variant type: single nucleotide variant.
Coding change: c.*135A>G on transcript NM_002242.4 (MANE Select); 135 bases downstream of the stop codon, A replaced by G.
Molecular consequence: 3 prime UTR variant. On other transcripts: intron variant (4).
Genome position (GRCh38, 1-based): chr2:232,768,056, T>C on the plus strand (A>G on the coding strand, the complement: KCNJ13 is on the minus strand). VCF-style: chr2-232768056-T-C. GRCh37 (hg19) VCF-style: chr2-233632766-T-C.
Other names: c.*697A>G (NM_001172416.1); c.*135A>G (NM_001172417.1); c.532+6620T>C (NM_001103146.3, NM_015575.4, NM_001103147.2 and 1 more transcripts).
Identifiers: ClinVar variation 335049 (VCV000335049.6), dbSNP rs8192539, ClinGen allele CA10613164.
Genomic context (GRCh38, chr2:232,768,056, plus strand): 5'-AACTTTGTAATGTAGAGTGTTATGTTTCCAGAATGTGTATTGTTAGCTCAGCCATTCTTA[T>C]GTAGGCATAGGCATGATTACCGTGATGTAGAGAGCTATAATTAGCATTGAAAAAAGAAAA-3'

ClinVar aggregate classification (germline): Benign. Review status: criteria provided, multiple submitters, no conflicts (2 of 4 stars). 2 submissions from 2 submitters: Benign (2). Last evaluated 2018-01-13.

Conditions:
Leber congenital amaurosis 16 (LCA16). Identifiers: Orphanet 65, MedGen C3280062, MONDO:0013613, OMIM 614186.

Allele frequency attached by ClinVar (database versions not stated): TOPMed 0.14173; gnomAD 0.14244 and 0.14927; 1000 Genomes Project 30x 0.16021; 1000 Genomes Project 0.16394; gnomAD exomes 0.17984.
gnomAD v4.1: 140,546 of 810,366 alleles (17%); highest among the groups gnomAD compares: South Asian, 32%; 13,634 homozygotes.

Submissions (2):

Illumina Laboratory Services, Illumina
Classification: Benign for Leber congenital amaurosis 16. Last evaluated: 2018-01-13. Review status: criteria provided, single submitter. Criteria: ICSL Variant Classification Criteria 13 December 2019. Collection method: clinical testing. Allele origin: germline.
Comment: This variant was observed in the ICSL laboratory as part of a predisposition screen in an ostensibly healthy population. It had not been previously curated by ICSL or reported in the Human Gene Mutation Database (HGMD: prior to June 1st, 2018), and was therefore a candidate for classification through an automated scoring system. Utilizing variant allele frequency, disease prevalence and penetrance estimates, and inheritance mode, an automated score was calculated to assess if this variant is too frequent to cause the disease. Based on the score and internal cut-off values, a variant classified as benign is not then subjected to further curation. The score for this variant resulted in a classification of benign for this disease.

Breakthrough Genomics
Classification: Benign. Review status: criteria provided, single submitter. Criteria: ACMG Guidelines, 2015. Collection method: not provided. Allele origin: germline. Inheritance: Autosomal recessive inheritance. Affected: yes.